The following is an entry in ClinVar:

NM_001110556.2(FLNA):c.6503-3C>T

Gene: FLNA (filamin A; minus strand). Cytogenetic location: Xq28.
Variant type: single nucleotide variant.
Coding change: c.6503-3C>T on transcript NM_001110556.2 (MANE Select); 3 bases into the intron before coding-DNA position 6503, C replaced by T.
Molecular consequence: intron variant.
Genome position (GRCh38, 1-based): chrX:154,352,450, G>A on the plus strand (C>T on the coding strand, the complement: FLNA is on the minus strand). VCF-style: chrX-154352450-G-A. GRCh37 (hg19) VCF-style: chrX-153580818-G-A.
Other names: c.6479-3C>T (NM_001456.4).
Identifiers: ClinVar variation 2953045 (VCV002953045.3), dbSNP rs2148104191, ClinGen allele CA2695112085.
Genomic context (GRCh38, chrX:154,352,450, plus strand): 5'-TCATGGGTCTTGCCCGATGGGCTGGTCACCTGGGCTGTCATATCCTGGATGCTAATTTCT[G>A]CAGGGTGGGGATGGGCTAGTGAGCAGCAGCCCTGGGCTCCACCCCTCCTCTTGGGGCTGC-3'

ClinVar aggregate classification (germline): Uncertain significance (1 of 4 stars; one submission).

Conditions:
Heterotopia, periventricular, X-linked dominant (PVNH1). Also called: PERIVENTRICULAR NODULAR HETEROTOPIA 1; X-linked periventricular heterotopia; PERIVENTRICULAR NODULAR HETEROTOPIA 4; HETEROTOPIA, PERIVENTRICULAR, 1. Identifiers: Orphanet 2149, Orphanet 82004, MedGen C1848213, MONDO:0010233, OMIM 300049.
Melnick-Needles syndrome (MNS). Also called: Melnick-Needles Syndrome (FLNA-MNS); MELNICK-NEEDLES OSTEODYSPLASTY; OSTEODYSPLASTY OF MELNICK AND NEEDLES. Identifiers: Orphanet 2484, MedGen C0025237, MONDO:0010650, OMIM 309350.
Frontometaphyseal dysplasia (FMD1). Identifiers: Orphanet 1826, MedGen C0265293, MONDO:0015942.
Oto-palato-digital syndrome, type II (OPD2). Also called: Otopalatodigital Syndrome Type 2 (FLNA-OPD2); FACIOPALATOOSSEOUS SYNDROME; OPD II SYNDROME; Otopalatodigital Syndrome, Type II. Identifiers: Orphanet 669, Orphanet 90652, MedGen C1844696, MONDO:0010571, OMIM 304120.

Allele frequency attached by ClinVar (database versions not stated): gnomAD exomes below 0.00001.
gnomAD v4.1: 5 of 1,211,555 alleles (0.00041%); highest among the groups gnomAD compares: African/African-American, 0.0017%; no homozygotes.

Submission:

Labcorp Genetics (formerly Invitae), Labcorp
Classification: Uncertain significance for Oto-palato-digital syndrome, type II; Heterotopia, periventricular, X-linked dominant; Frontometaphyseal dysplasia; Melnick-Needles syndrome. Last evaluated: 2024-08-18. Review status: criteria provided, single submitter. Criteria: Invitae Variant Classification Sherloc (09022015). Collection method: clinical testing. Allele origin: germline.
Comment: This sequence change falls in intron 39 of the FLNA gene. It does not directly change the encoded amino acid sequence of the FLNA protein. It affects a nucleotide within the consensus splice site. This variant is not present in population databases (gnomAD no frequency). This variant has not been reported in the literature in individuals affected with FLNA-related conditions. Variants that disrupt the consensus splice site are a relatively common cause of aberrant splicing (PMID: 17576681, 9536098). Algorithms developed to predict the effect of sequence changes on RNA splicing suggest that this variant is not likely to affect RNA splicing. In summary, the available evidence is currently insufficient to determine the role of this variant in disease. Therefore, it has been classified as a Variant of Uncertain Significance.

Literature cited by the submitters: PubMed 17576681; PubMed 9536098.